The following is an entry in ClinVar:

ClinVar aggregate classification (germline): Uncertain significance (1 of 4 stars; one submission).

Conditions:
Galloway-Mowat syndrome 2, X-linked. Identifiers: MedGen C4538784, MONDO:0033006, OMIM 301006.

Submission:

Dasa
Classification: Uncertain significance for Galloway-Mowat syndrome 2, X-linked. Last evaluated: 2025-10-18. Review status: criteria provided, single submitter. Criteria: DASA Assertion Criteria. Collection method: clinical testing. Allele origin: germline.
Comment: NM_006014.5(LAGE3):c.284A>G (p.Lys95Arg) is a missense variant that results in the substitution of lysine with arginine. This variant is absent from population databases. Computational prediction algorithms are consistent with a benign effect. The currently available literature and clinical evidence are not sufficient to establish a definitive association between this variant and the reported condition. Therefore, this variant is classified as a variant of uncertain significance.

NM_006014.5(LAGE3):c.284A>G (p.Lys95Arg)

Gene: LAGE3 (L antigen family member 3; minus strand). Cytogenetic location: Xq28.
Variant type: single nucleotide variant.
Coding change: c.284A>G on transcript NM_006014.5 (MANE Select); coding-DNA position 284, A replaced by G.
Protein change: p.Lys95Arg; replaces lysine 95 with arginine.
Molecular consequence: missense variant.
Genome position (GRCh38, 1-based): chrX:154,478,316, T>C on the plus strand (A>G on the coding strand, the complement: LAGE3 is on the minus strand). VCF-style: chrX-154478316-T-C. GRCh37 (hg19) VCF-style: chrX-153706655-T-C.
Other names: short protein forms K95R.
Identifiers: ClinVar variation 4882433 (VCV004882433.2).